The following is an entry in ClinVar:

NM_016592.5(GNAS):c.485G>A (p.Arg162His)

Genes: GNAS (GNAS complex locus; plus strand), GNAS-AS1 (GNAS antisense RNA 1; minus strand). Cytogenetic location: 20q13.32.
Variant type: single nucleotide variant.
Coding change: c.485G>A on transcript NM_016592.5 (MANE Plus Clinical); coding-DNA position 485, G replaced by A.
Protein change: p.Arg162His; replaces arginine 162 with histidine.
Molecular consequence: missense variant. On other transcripts: 5 prime UTR variant (1).
Genome position (GRCh38, 1-based): chr20:58,840,591, G>A. VCF-style: chr20-58840591-G-A. GRCh37 (hg19) VCF-style: chr20-57415646-G-A.
Other names: c.-253G>A (NM_001410912.1); short protein forms R162H.
Identifiers: ClinVar variation 3347415 (VCV003347415.1).

ClinVar aggregate classification (germline): Uncertain significance (0 of 4 stars; one submission).

Conditions:
GNAS-related disorder. Identifiers: MedGen CN380105.

gnomAD v4.1: 2 of 1,610,902 alleles (0.00012%); highest among the groups gnomAD compares: Admixed American, 0.0017%; no homozygotes.

Submission:

PreventionGenetics, part of Exact Sciences
Classification: Uncertain significance for GNAS-related condition. Last evaluated: 2024-05-17. Review status: no assertion criteria provided. Collection method: clinical testing. Allele origin: germline.
Comment: The GNAS c.485G>A variant is predicted to result in the amino acid substitution p.Arg162His. This variant is located in the pre-coding region (c.-51136G>A) of the primary GNAS transcript (NM_000516). To our knowledge, this variant has not been reported in the literature. This variant is reported in 0.0065% of alleles in individuals of European (Non-Finnish) descent in gnomAD. At this time, the clinical significance of this variant is uncertain due to the absence of conclusive functional and genetic evidence.